The following is an entry in ClinVar:

NM_000492.4(CFTR):c.1949T>C (p.Phe650Ser)

Gene: CFTR (CF transmembrane conductance regulator; plus strand). Cytogenetic location: 7q31.2.
Variant type: single nucleotide variant.
Coding change: c.1949T>C on transcript NM_000492.4 (MANE Select); coding-DNA position 1949, T replaced by C.
Protein change: p.Phe650Ser; replaces phenylalanine 650 with serine.
Molecular consequence: missense variant.
Genome position (GRCh38, 1-based): chr7:117,592,116, T>C. VCF-style: chr7-117592116-T-C. GRCh37 (hg19) VCF-style: chr7-117232170-T-C.
Other names: short protein forms F650S.
Identifiers: ClinVar variation 4642624 (VCV004642624.1).

ClinVar aggregate classification (germline): Uncertain significance (1 of 4 stars; one submission).

Conditions:
Cystic fibrosis (CF). Also called: MUCOVISCIDOSIS. Identifiers: Orphanet 586, MedGen C0010674, MONDO:0009061, OMIM 219700. Disease mechanism: loss of function.

gnomAD v4.1: 1 of 1,614,132 alleles (0.000062%); highest among the groups gnomAD compares: Non-Finnish European, 0.000085%; no homozygotes.

Submission:

Ambry Genetics
Classification: Uncertain significance for Cystic fibrosis. Last evaluated: 2025-10-29. Review status: criteria provided, single submitter. Criteria: Ambry Variant Classification Scheme 2023. Collection method: clinical testing. Allele origin: germline.
Comment: The p.F650S variant (also known as c.1949T>C), located in coding exon 14 of the CFTR gene, results from a T to C substitution at nucleotide position 1949. The phenylalanine at codon 650 is replaced by serine, an amino acid with highly dissimilar properties. This amino acid position is well conserved in available vertebrate species. In addition, the in silico prediction for this alteration is inconclusive. Based on the available evidence, the clinical significance of this variant remains unclear.